The following is an entry in ClinVar:

NM_015102.5(NPHP4):c.3403C>T (p.Arg1135Cys)

Gene: NPHP4 (nephrocystin 4; minus strand). Cytogenetic location: 1p36.31.
Variant type: single nucleotide variant.
Coding change: c.3403C>T on transcript NM_015102.5 (MANE Select); coding-DNA position 3403, C replaced by T.
Protein change: p.Arg1135Cys; replaces arginine 1135 with cysteine.
Molecular consequence: missense variant. On other transcripts: non-coding transcript variant (1).
Genome position (GRCh38, 1-based): chr1:5,867,809, G>A on the plus strand (C>T on the coding strand, the complement: NPHP4 is on the minus strand). VCF-style: chr1-5867809-G-A. GRCh37 (hg19) VCF-style: chr1-5927869-G-A.
Other names: c.1864C>T, p.Arg622Cys (NM_001291593.2); c.1867C>T, p.Arg623Cys (NM_001291594.2); c.3403C>T (NM_015102.3); short protein forms R1135C, R623C, R622C.
Identifiers: ClinVar variation 499341 (VCV000499341.15), dbSNP rs374387338, ClinGen allele CA553628.

ClinVar aggregate classification (germline): Uncertain significance. Review status: criteria provided, multiple submitters, no conflicts (2 of 4 stars). 5 submissions from 5 submitters: Uncertain significance (5). Last evaluated 2025-05-31.

Conditions:
NPHP4-related disorder. Also called: NPHP4-related disorders; NPHP4-related condition. Identifiers: MedGen CN239384.
Inborn genetic diseases. Identifiers: MedGen C0950123, MeSH D030342.
Nephronophthisis. Also called: Juvenile Nephronophthisis. Identifiers: Orphanet 655, MedGen C0687120, MONDO:0019005, HP:0000090.
Senior-Loken syndrome 4 (SLSN4). Identifiers: Orphanet 3156, MedGen C1846979, MONDO:0011756, OMIM 606996.
Nephronophthisis 4 (NPHP4). Also called: NEPHRONOPHTHISIS 4, JUVENILE. Identifiers: Orphanet 655, MedGen C1847013, MONDO:0011752, OMIM 606966.

Allele frequency attached by ClinVar (database versions not stated): gnomAD exomes 0.00002 and 0.00006; gnomAD 0.00003 and 0.00004; TOPMed 0.00003; ExAC 0.00007; ESP Exome Variant Server 0.00008.
gnomAD v4.1: 39 of 1,613,172 alleles (0.0024%); highest among the groups gnomAD compares: Admixed American, 0.018%; 1 homozygote.

Submissions (5):

PreventionGenetics, part of Exact Sciences
Classification: Uncertain significance for NPHP4-related condition. Last evaluated: 2025-05-31. Review status: criteria provided, single submitter. Criteria: ACMG Guidelines, 2015. Collection method: clinical testing. Allele origin: germline.
Comment: The NPHP4 c.3403C>T variant is predicted to result in the amino acid substitution p.Arg1135Cys. To our knowledge, this variant has not been reported in the literature. This variant is reported in 0.028% of alleles in individuals of Latino descent in gnomAD, including one homozygous individual. At this time, the clinical significance of this variant is uncertain due to the absence of conclusive functional and genetic evidence.

Ambry Genetics
Classification: Uncertain significance for Inborn genetic diseases. Last evaluated: 2024-10-12. Review status: criteria provided, single submitter. Criteria: Ambry Variant Classification Scheme 2023. Collection method: clinical testing. Allele origin: germline.

Fulgent Genetics
Classification: Uncertain significance for Nephronophthisis 4; Senior-Loken syndrome 4. Last evaluated: 2024-03-22. Review status: criteria provided, single submitter. Criteria: ACMG Guidelines, 2015. Collection method: clinical testing. Allele origin: germline.

Labcorp Genetics (formerly Invitae), Labcorp
Classification: Uncertain significance for Nephronophthisis. Last evaluated: 2023-07-17. Review status: criteria provided, single submitter. Criteria: Invitae Variant Classification Sherloc (09022015). Collection method: clinical testing. Allele origin: germline.
Comment: In summary, the available evidence is currently insufficient to determine the role of this variant in disease. Therefore, it has been classified as a Variant of Uncertain Significance. Advanced modeling of protein sequence and biophysical properties (such as structural, functional, and spatial information, amino acid conservation, physicochemical variation, residue mobility, and thermodynamic stability) performed at Invitae indicates that this missense variant is expected to disrupt NPHP4 protein function. ClinVar contains an entry for this variant (Variation ID: 499341). This variant has not been reported in the literature in individuals affected with NPHP4-related conditions. This variant is present in population databases (rs374387338, gnomAD 0.03%), including at least one homozygous and/or hemizygous individual. This sequence change replaces arginine, which is basic and polar, with cysteine, which is neutral and slightly polar, at codon 1135 of the NPHP4 protein (p.Arg1135Cys).

Eurofins Ntd Llc (ga)
Classification: Uncertain significance. Last evaluated: 2016-12-20. Review status: criteria provided, single submitter. Criteria: EGL Classification Definitions 2015. Collection method: clinical testing. Allele origin: germline. Observed: 1 variant allele, 1 heterozygote.